The following is an entry in ClinVar:

NM_031956.4(TTC29):c.940G>A (p.Gly314Arg)

Gene: TTC29 (tetratricopeptide repeat domain 29; minus strand). Cytogenetic location: 4q31.22.
Variant type: single nucleotide variant.
Coding change: c.940G>A on transcript NM_031956.4 (MANE Select); coding-DNA position 940, G replaced by A.
Protein change: p.Gly314Arg; replaces glycine 314 with arginine.
Molecular consequence: missense variant. On other transcripts: non-coding transcript variant (1).
Genome position (GRCh38, 1-based): chr4:146,833,843, C>T on the plus strand (G>A on the coding strand, the complement: TTC29 is on the minus strand). VCF-style: chr4-146833843-C-T. GRCh37 (hg19) VCF-style: chr4-147754995-C-T.
Other names: c.1018G>A, p.Gly340Arg (NM_001300761.4); c.940G>A, p.Gly314Arg (NM_001317806.3); c.940G>A (NM_031956.2); short protein forms G314R, G340R.
Identifiers: ClinVar variation 1335566 (VCV001335566.36), dbSNP rs143005058, ClinGen allele CA3097514.

ClinVar aggregate classification (germline): Conflicting classifications of pathogenicity. Review status: criteria provided, conflicting classifications (1 of 4 stars). 3 submissions from 3 submitters: Uncertain significance (2); Likely benign (1). Last evaluated 2025-10-24.

Allele frequency attached by ClinVar (database versions not stated): 1000 Genomes Project 30x 0.00156; gnomAD 0.00289 and 0.00295; 1000 Genomes Project 0.00160; ExAC 0.00238; TOPMed 0.00242; gnomAD exomes 0.00260; ESP Exome Variant Server 0.00288.
gnomAD v4.1: 6,733 of 1,613,290 alleles (0.42%); highest among the groups gnomAD compares: Non-Finnish European, 0.52%; 23 homozygotes.

Submissions (3):

Ambry Genetics
Classification: Uncertain significance. Last evaluated: 2025-10-24. Review status: criteria provided, single submitter. Criteria: Ambry Variant Classification Scheme 2023. Collection method: clinical testing. Allele origin: germline.

CeGaT Center for Human Genetics Tuebingen
Classification: Likely benign. Last evaluated: 2025-04-01. Review status: criteria provided, single submitter. Criteria: CeGaT Center For Human Genetics Tuebingen Variant Classification Criteria Version 2. Collection method: clinical testing. Allele origin: germline. Affected: yes. Observed: 2 variant alleles.
Comment: TTC29: BP4, BS2

Breakthrough Genomics
Classification: Uncertain significance. Review status: criteria provided, single submitter. Criteria: ACMG Guidelines, 2015. Collection method: not provided. Allele origin: germline. Inheritance: Autosomal recessive inheritance. Affected: yes.